The following is an entry in ClinVar:

NM_177438.3(DICER1):c.3315A>G (p.Lys1105=)

Gene: DICER1 (dicer 1, ribonuclease III; minus strand). Cytogenetic location: 14q32.13.
Variant type: single nucleotide variant.
Coding change: c.3315A>G on transcript NM_177438.3 (MANE Select); coding-DNA position 3315, A replaced by G.
Protein change: p.Lys1105=; no amino-acid change (lysine 1105 retained).
Molecular consequence: synonymous variant.
Genome position (GRCh38, 1-based): chr14:95,104,081, T>C on the plus strand (A>G on the coding strand, the complement: DICER1 is on the minus strand). VCF-style: chr14-95104081-T-C. GRCh37 (hg19) VCF-style: chr14-95570418-T-C.
Other names: c.3315A>G, p.Lys1105= (NM_001195573.1, NM_001271282.3, NM_001291628.2 and 1 more transcripts).
Identifiers: ClinVar variation 759526 (VCV000759526.42), dbSNP rs571852264, ClinGen allele CA7331058.

ClinVar aggregate classification (germline): Benign/Likely benign. Review status: criteria provided, multiple submitters, no conflicts (2 of 4 stars). 7 submissions from 7 submitters: Benign (1); Likely benign (6). Last evaluated 2026-07-15.

Conditions:
DICER1-related disorder. Also called: DICER1-related condition.
DICER1-related tumor predisposition. Also called: DICER1-related pleuropulmonary blastoma cancer predisposition syndrome; DICER1 syndrome. Identifiers: Orphanet 284343, MedGen C3839822, MONDO:0100216.
Hereditary cancer-predisposing syndrome. Also called: Hereditary Cancer Syndrome; Tumor predisposition; Hereditary neoplastic syndrome; Neoplastic Syndromes, Hereditary. Identifiers: Orphanet 140162, MedGen C0027672, MeSH D009386, MONDO:0015356.

Allele frequency attached by ClinVar (database versions not stated): gnomAD exomes below 0.00001 and 0.00001; ExAC 0.00001; gnomAD 0.00001; TOPMed 0.00001; 1000 Genomes Project 30x 0.00016; 1000 Genomes Project 0.00020.
gnomAD v4.1: 6 of 1,613,992 alleles (0.00037%); highest among the groups gnomAD compares: East Asian, 0.0089%; no homozygotes.

Submissions (7):

PreventionGenetics, part of Exact Sciences
Classification: Likely benign for DICER1-related condition. Last evaluated: 2026-07-15. Review status: criteria provided, single submitter. Criteria: ACMG Guidelines, 2015. Collection method: clinical testing. Allele origin: germline.
Comment: This variant is classified as likely benign based on ACMG/AMP sequence variant interpretation guidelines (Richards et al. 2015 PMID: 25741868, with internal and published modifications).

Myriad Genetics, Inc.
Classification: Benign for DICER1-related tumor predisposition. Last evaluated: 2026-04-17. Review status: criteria provided, single submitter. Criteria: Myriad Autosomal Dominant, Autosomal Recessive and X-Linked Classification Criteria (2023). Collection method: clinical testing. Allele origin: unknown.
Comment: This variant is considered benign. This variant is a silent/synonymous amino acid change and it is not expected to impact splicing.

Labcorp Genetics (formerly Invitae), Labcorp
Classification: Likely benign for DICER1-related tumor predisposition. Last evaluated: 2025-12-09. Review status: criteria provided, single submitter. Criteria: Invitae Variant Classification Sherloc (09022015). Collection method: clinical testing. Allele origin: germline.

Blueprint Genetics
Classification: Likely benign. Last evaluated: 2024-10-10. Review status: criteria provided, single submitter. Criteria: ACMG Guidelines, 2015. Collection method: clinical testing. Allele origin: germline.

CeGaT Center for Human Genetics Tuebingen
Classification: Likely benign. Last evaluated: 2023-04-01. Review status: criteria provided, single submitter. Criteria: CeGaT Center For Human Genetics Tuebingen Variant Classification Criteria Version 2. Collection method: clinical testing. Allele origin: germline. Affected: yes. Observed: 1 variant allele.
Comment: DICER1: BP4, BP7

Sema4
Classification: Likely benign for Hereditary cancer-predisposing syndrome. Last evaluated: 2021-05-27. Review status: criteria provided, single submitter. Criteria: Sema4 Curation Guidelines. Collection method: curation. Allele origin: germline.

Ambry Genetics
Classification: Likely benign for Hereditary cancer-predisposing syndrome. Last evaluated: 2019-07-03. Review status: criteria provided, single submitter. Criteria: Ambry Variant Classification Scheme 2023. Collection method: clinical testing. Allele origin: germline.